The following is an entry in ClinVar:

NM_001291303.3(FAT4):c.11411A>G (p.Asp3804Gly)

Gene: FAT4 (FAT atypical cadherin 4; plus strand). Cytogenetic location: 4q28.1.
Variant type: single nucleotide variant.
Coding change: c.11411A>G on transcript NM_001291303.3 (MANE Select); coding-DNA position 11411, A replaced by G.
Protein change: p.Asp3804Gly; replaces aspartic acid 3804 with glycine.
Molecular consequence: missense variant.
Genome position (GRCh38, 1-based): chr4:125,452,421, A>G. VCF-style: chr4-125452421-A-G. GRCh37 (hg19) VCF-style: chr4-126373576-A-G.
Other names: c.11411A>G, p.Asp3804Gly (NM_001291285.3); c.11405A>G, p.Asp3802Gly (NM_024582.6); short protein forms D3802G, D3804G.
Identifiers: ClinVar variation 1519412 (VCV001519412.8), dbSNP rs2126062121, ClinGen allele CA358162552.

ClinVar aggregate classification (germline): Uncertain significance (1 of 4 stars; one submission).

Submission:

Labcorp Genetics (formerly Invitae), Labcorp
Classification: Uncertain significance. Last evaluated: 2021-03-25. Review status: criteria provided, single submitter. Criteria: Invitae Variant Classification Sherloc (09022015). Collection method: clinical testing. Allele origin: germline.
Comment: In summary, the available evidence is currently insufficient to determine the role of this variant in disease. Therefore, it has been classified as a Variant of Uncertain Significance. Advanced modeling of protein sequence and biophysical properties (such as structural, functional, and spatial information, amino acid conservation, physicochemical variation, residue mobility, and thermodynamic stability) performed at Invitae indicates that this missense variant is not expected to disrupt FAT4 protein function. This variant has not been reported in the literature in individuals with FAT4-related conditions. This variant is not present in population databases (ExAC no frequency). This sequence change replaces aspartic acid with glycine at codon 3802 of the FAT4 protein (p.Asp3802Gly). The aspartic acid residue is highly conserved and there is a moderate physicochemical difference between aspartic acid and glycine.